The following is an entry in ClinVar:

ClinVar aggregate classification (germline): Uncertain significance. Review status: criteria provided, multiple submitters, no conflicts (2 of 4 stars). 2 submissions from 2 submitters: Uncertain significance (2). Last evaluated 2026-01-06.

Conditions:
TTN-related disorder. Also called: TTN-related condition; TTN-related disease; TTN-related disorders.

Allele frequency attached by ClinVar (database versions not stated): ExAC 0.00002; TOPMed 0.00002; gnomAD 0.00003; gnomAD exomes 0.00012; ESP Exome Variant Server 0.00017.
gnomAD v4.1: 168 of 1,613,800 alleles (0.01%); highest among the groups gnomAD compares: Non-Finnish European, 0.014%; no homozygotes.

Submissions (2):

PreventionGenetics, part of Exact Sciences
Classification: Uncertain significance for TTN-related condition. Last evaluated: 2026-01-06. Review status: criteria provided, single submitter. Criteria: ACMG Guidelines, 2015. Collection method: clinical testing. Allele origin: germline.
Comment: The TTN c.89414A>G variant is predicted to result in the amino acid substitution p.Asn29805Ser. This variant was reported in an individual with dilated cardiomyopathy (Supplemental Table S3, Mazzarotto et al. 2020. PubMed ID: 31983221). This variant is reported in 0.0036% of alleles in individuals of European (Non-Finnish) descent in gnomAD. At this time, the clinical significance of this variant is uncertain due to the absence of conclusive functional and genetic evidence.

Revvity Omics, Revvity
Classification: Uncertain significance. Last evaluated: 2025-04-18. Review status: criteria provided, single submitter. Criteria: ACMG Guidelines, 2015. Collection method: clinical testing. Allele origin: germline.

NM_001267550.2(TTN):c.89414A>G (p.Asn29805Ser)

Genes: TTN-AS1 (TTN antisense RNA 1; plus strand), TTN (titin; minus strand). Cytogenetic location: 2q31.2.
Variant type: single nucleotide variant.
Coding change: c.89414A>G on transcript NM_001267550.2 (MANE Select); coding-DNA position 89414, A replaced by G.
Protein change: p.Asn29805Ser; replaces asparagine 29805 with serine.
Molecular consequence: missense variant.
Genome position (GRCh38, 1-based): chr2:178,553,591, T>C on the plus strand (A>G on the coding strand, the complement: TTN is on the minus strand). VCF-style: chr2-178553591-T-C. GRCh37 (hg19) VCF-style: chr2-179418318-T-C.
Other names: c.84491A>G, p.Asn28164Ser (NM_001256850.1); c.62219A>G, p.Asn20740Ser (NM_003319.4); c.81710A>G, p.Asn27237Ser (NM_133378.4); c.62594A>G, p.Asn20865Ser (NM_133432.3); c.62795A>G, p.Asn20932Ser (NM_133437.4); short protein forms N20740S, N20865S, N20932S, N27237S, N28164S, N29805S.
Identifiers: ClinVar variation 2437720 (VCV002437720.4), dbSNP rs369285180, ClinGen allele CA1987931.